The following is an entry in ClinVar:

NM_001191061.2(SLC25A22):c.412+9G>A

Gene: SLC25A22 (solute carrier family 25 member 22; minus strand). Cytogenetic location: 11p15.5.
Variant type: single nucleotide variant.
Coding change: c.412+9G>A on transcript NM_001191061.2 (MANE Select); 9 bases into the intron after coding-DNA position 412, G replaced by A.
Molecular consequence: intron variant.
Genome position (GRCh38, 1-based): chr11:792,861, C>T on the plus strand (G>A on the coding strand, the complement: SLC25A22 is on the minus strand). VCF-style: chr11-792861-C-T. GRCh37 (hg19) VCF-style: chr11-792861-C-T.
Other names: c.412+9G>A (NM_001191060.2, NM_024698.6).
Identifiers: ClinVar variation 378592 (VCV000378592.12), dbSNP rs369276282, ClinGen allele CA5789215.

ClinVar aggregate classification (germline): Likely benign. Review status: criteria provided, multiple submitters, no conflicts (2 of 4 stars). 2 submissions from 2 submitters: Likely benign (2). Last evaluated 2025-07-03.

Conditions:
Early-infantile DEE. Also called: Early infantile epileptic encephalopathy; Ohtahara syndrome; Early infantile epileptic encephalopathy with suppression bursts. Identifiers: Orphanet 1934, MedGen C0393706, MONDO:0800491.

Allele frequency attached by ClinVar (database versions not stated): gnomAD exomes 0.00005; TOPMed 0.00005; ExAC 0.00008; ESP Exome Variant Server 0.00008; gnomAD 0.00009.
gnomAD v4.1: 98 of 1,494,266 alleles (0.0066%); highest among the groups gnomAD compares: Middle Eastern, 0.12%; no homozygotes.

Submissions (2):

Labcorp Genetics (formerly Invitae), Labcorp
Classification: Likely benign for Early-infantile DEE. Last evaluated: 2025-07-03. Review status: criteria provided, single submitter. Criteria: Invitae Variant Classification Sherloc (09022015). Collection method: clinical testing. Allele origin: germline.

GeneDx
Classification: Likely benign. Last evaluated: 2016-10-28. Review status: criteria provided, single submitter. Criteria: GeneDx Variant Classification (06012015). Collection method: clinical testing. Allele origin: germline. Affected: yes.
Comment: This variant is considered likely benign or benign based on one or more of the following criteria: it is a conservative change, it occurs at a poorly conserved position in the protein, it is predicted to be benign by multiple in silico algorithms, and/or has population frequency not consistent with disease.